The following is an entry in ClinVar:

ClinVar aggregate classification (germline): Uncertain significance (1 of 4 stars; one submission).

gnomAD v4.1: 1 of 1,613,686 alleles (0.000062%); highest among the groups gnomAD compares: Non-Finnish European, 0.000085%; no homozygotes.

Submission:

GeneDx
Classification: Uncertain significance. Last evaluated: 2022-11-23. Review status: criteria provided, single submitter. Criteria: GeneDx Variant Classification Process June 2021. Collection method: clinical testing. Allele origin: germline. Affected: yes.
Comment: Not observed at significant frequency in large population cohorts (gnomAD); In silico analysis supports that this missense variant does not alter protein structure/function; Has not been previously published as pathogenic or benign to our knowledge

NM_001256071.3(RNF213):c.8010C>G (p.Ser2670Arg)

Gene: RNF213 (ring finger protein 213; plus strand). Cytogenetic location: 17q25.3.
Variant type: single nucleotide variant.
Coding change: c.8010C>G on transcript NM_001256071.3 (MANE Select); coding-DNA position 8010, C replaced by G.
Protein change: p.Ser2670Arg; replaces serine 2670 with arginine.
Molecular consequence: missense variant.
Genome position (GRCh38, 1-based): chr17:80,346,345, C>G. VCF-style: chr17-80346345-C-G. GRCh37 (hg19) VCF-style: chr17-78320145-C-G.
Other names: c.8157C>G, p.Ser2719Arg (NM_001410195.1, NM_020914.5); short protein forms S2670R, S2719R.
Identifiers: ClinVar variation 2503169 (VCV002503169.1), dbSNP rs143491577, ClinGen allele CA401397136.